The following is an entry in ClinVar:

ClinVar aggregate classification (germline): Uncertain significance (1 of 4 stars; one submission).

Conditions:
Hereditary cancer-predisposing syndrome. Also called: Neoplastic Syndromes, Hereditary; Tumor predisposition; Hereditary Cancer Syndrome; Hereditary neoplastic syndrome. Identifiers: Orphanet 140162, MedGen C0027672, MeSH D009386, MONDO:0015356.

Submission:

Ambry Genetics
Classification: Uncertain significance for Hereditary cancer-predisposing syndrome. Last evaluated: 2024-11-08. Review status: criteria provided, single submitter. Criteria: Ambry Variant Classification Scheme 2023. Collection method: clinical testing. Allele origin: germline.
Comment: The p.Q684H variant (also known as c.2052G>T), located in coding exon 16 of the POLD1 gene, results from a G to T substitution at nucleotide position 2052. The glutamine at codon 684 is replaced by histidine, an amino acid with highly similar properties. This amino acid position is well conserved in available vertebrate species. In addition, this alteration is predicted to be tolerated by in silico analysis. Based on the available evidence, the clinical significance of this variant remains unclear.

NM_002691.4(POLD1):c.2052G>T (p.Gln684His)

Gene: POLD1 (DNA polymerase delta 1, catalytic subunit; plus strand). Cytogenetic location: 19q13.33.
Variant type: single nucleotide variant.
Coding change: c.2052G>T on transcript NM_002691.4 (MANE Select); coding-DNA position 2052, G replaced by T.
Protein change: p.Gln684His; replaces glutamine 684 with histidine.
Molecular consequence: missense variant. On other transcripts: non-coding transcript variant (1).
Genome position (GRCh38, 1-based): chr19:50,409,564, G>T. VCF-style: chr19-50409564-G-T. GRCh37 (hg19) VCF-style: chr19-50912821-G-T.
Other names: c.2052G>T, p.Gln684His (NM_001256849.1); c.2130G>T, p.Gln710His (NM_001308632.1); short protein forms Q684H, Q710H.
Identifiers: ClinVar variation 3421963 (VCV003421963.1).